The following is an entry in ClinVar:

NM_001012339.3(DNAJC21):c.813G>A (p.Met271Ile)

Gene: DNAJC21 (DnaJ heat shock protein family (Hsp40) member C21; plus strand). Cytogenetic location: 5p13.2.
Variant type: single nucleotide variant.
Coding change: c.813G>A on transcript NM_001012339.3 (MANE Select); coding-DNA position 813, G replaced by A.
Protein change: p.Met271Ile; replaces methionine 271 with isoleucine.
Molecular consequence: missense variant.
Genome position (GRCh38, 1-based): chr5:34,938,927, G>A. VCF-style: chr5-34938927-G-A. GRCh37 (hg19) VCF-style: chr5-34939032-G-A.
Other names: c.813G>A, p.Met271Ile (NM_001348420.2, NM_194283.4); c.813G>A (NM_194283.3); short protein forms M271I.
Identifiers: ClinVar variation 2186813 (VCV002186813.5), dbSNP rs775592568, ClinGen allele CA3228588.
Genomic context (GRCh38, chr5:34,938,927, plus strand): 5'-GCAGTACAGAGAACAGAGCTGGATGACTATGGCCAATTTGGAGAAAGAGCTCCAGGAGAT[G>A]GAGGCACGGTACGAGAAGGAGTTTGGAGATGGATCGGATGAAAATGAAATGGAAGAACAT-3'
Protein context (NP_001012339.2, residues 261-281): MANLEKELQE[Met271Ile]EARYEKEFGD

ClinVar aggregate classification (germline): Uncertain significance. Review status: criteria provided, multiple submitters, no conflicts (2 of 4 stars). 2 submissions from 2 submitters: Uncertain significance (2). Last evaluated 2024-04-15.

Conditions:
Inborn genetic diseases. Identifiers: MedGen C0950123, MeSH D030342.

Allele frequency attached by ClinVar (database versions not stated): gnomAD exomes below 0.00001; ExAC 0.00001; TOPMed 0.00001.
gnomAD v4.1: 5 of 1,614,148 alleles (0.00031%); highest among the groups gnomAD compares: Non-Finnish European, 0.00042%; no homozygotes.

Submissions (2):

Ambry Genetics
Classification: Uncertain significance for Inborn genetic diseases. Last evaluated: 2024-04-15. Review status: criteria provided, single submitter. Criteria: Ambry Variant Classification Scheme 2023. Collection method: clinical testing. Allele origin: germline.

Labcorp Genetics (formerly Invitae), Labcorp
Classification: Uncertain significance. Last evaluated: 2022-07-17. Review status: criteria provided, single submitter. Criteria: Invitae Variant Classification Sherloc (09022015). Collection method: clinical testing. Allele origin: germline.
Comment: This variant has not been reported in the literature in individuals affected with DNAJC21-related conditions. Algorithms developed to predict the effect of missense changes on protein structure and function (SIFT, PolyPhen-2, Align-GVGD) all suggest that this variant is likely to be tolerated. In summary, the available evidence is currently insufficient to determine the role of this variant in disease. Therefore, it has been classified as a Variant of Uncertain Significance. This variant is present in population databases (rs775592568, gnomAD 0.0009%). This sequence change replaces methionine, which is neutral and non-polar, with isoleucine, which is neutral and non-polar, at codon 271 of the DNAJC21 protein (p.Met271Ile).